The following is an entry in ClinVar:

NM_130466.4(UBE3B):c.1450+5G>C

Gene: UBE3B (ubiquitin protein ligase E3B; plus strand). Cytogenetic location: 12q24.11.
Variant type: single nucleotide variant.
Coding change: c.1450+5G>C on transcript NM_130466.4 (MANE Select); 5 bases into the intron after coding-DNA position 1450, G replaced by C.
Molecular consequence: intron variant.
Genome position (GRCh38, 1-based): chr12:109,503,195, G>C. VCF-style: chr12-109503195-G-C. GRCh37 (hg19) VCF-style: chr12-109941000-G-C.
Other names: c.1450+5G>C (NM_183415.3).
Identifiers: ClinVar variation 3663411 (VCV003663411.2).

ClinVar aggregate classification (germline): Uncertain significance (1 of 4 stars; one submission).

gnomAD v4.1: 2 of 1,613,634 alleles (0.00012%); highest among the groups gnomAD compares: Non-Finnish European, 0.00017%; no homozygotes.

Submission:

Labcorp Genetics (formerly Invitae), Labcorp
Classification: Uncertain significance. Last evaluated: 2024-11-02. Review status: criteria provided, single submitter. Criteria: Invitae Variant Classification Sherloc (09022015). Collection method: clinical testing. Allele origin: germline.
Comment: This sequence change falls in intron 14 of the UBE3B gene. It does not directly change the encoded amino acid sequence of the UBE3B protein. It affects a nucleotide within the consensus splice site. This variant is not present in population databases (gnomAD no frequency). This variant has not been reported in the literature in individuals affected with UBE3B-related conditions. Variants that disrupt the consensus splice site are a relatively common cause of aberrant splicing (PMID: 17576681, 9536098). Algorithms developed to predict the effect of sequence changes on RNA splicing suggest that this variant may disrupt the consensus splice site. In summary, the available evidence is currently insufficient to determine the role of this variant in disease. Therefore, it has been classified as a Variant of Uncertain Significance.

Literature cited by the submitters: PubMed 17576681; PubMed 9536098.